The following is an entry in ClinVar:

ClinVar aggregate classification (germline): Uncertain significance (1 of 4 stars; one submission).

Submission:

Mayo Clinic Laboratories, Mayo Clinic
Classification: Uncertain significance. Last evaluated: 2025-02-21. Review status: criteria provided, single submitter. Criteria: ACMG Guidelines, 2015. Collection method: clinical testing. Allele origin: germline. Observed: 1 variant allele.
Comment: PM2_supporting

NM_005518.4(HMGCS2):c.274C>T (p.Arg92Cys)

Gene: HMGCS2 (3-hydroxy-3-methylglutaryl-CoA synthase 2; minus strand). Cytogenetic location: 1p12.
Variant type: single nucleotide variant.
Coding change: c.274C>T on transcript NM_005518.4 (MANE Select); coding-DNA position 274, C replaced by T.
Protein change: p.Arg92Cys; replaces arginine 92 with cysteine.
Molecular consequence: missense variant.
Genome position (GRCh38, 1-based): chr1:119,764,457, G>A on the plus strand (C>T on the coding strand, the complement: HMGCS2 is on the minus strand). VCF-style: chr1-119764457-G-A. GRCh37 (hg19) VCF-style: chr1-120307080-G-A.
Other names: p.Arg92Cys; c.274C>T, p.Arg92Cys (NM_001166107.1); short protein forms R92C.
Identifiers: ClinVar variation 4541400 (VCV004541400.1).